The following is an entry in ClinVar:

ClinVar aggregate classification (germline): Likely pathogenic (1 of 4 stars; one submission).

gnomAD v4.1: 1 of 1,614,044 alleles (0.000062%); highest among the groups gnomAD compares: Admixed American, 0.0017%; no homozygotes.

Submission:

Labcorp Genetics (formerly Invitae), Labcorp
Classification: Likely pathogenic. Last evaluated: 2024-05-31. Review status: criteria provided, single submitter. Criteria: Invitae Variant Classification Sherloc (09022015). Collection method: clinical testing. Allele origin: germline.
Comment: This sequence change replaces glycine, which is neutral and non-polar, with alanine, which is neutral and non-polar, at codon 562 of the COL4A1 protein (p.Gly562Ala). This variant is present in population databases (no rsID available, gnomAD 0.003%). This variant has not been reported in the literature in individuals affected with COL4A1-related conditions. An algorithm developed to predict the effect of missense changes on protein structure and function (PolyPhen-2) suggests that this variant is likely to be tolerated. This variant disrupts the triple helix domain of COL4A1. Glycine residues within the Gly-Xaa-Yaa repeats of the triple helix domain are required for the structure and stability of fibrillar collagens (PMID: 7695699, 8218237, 19344236). In COL4A1 variants affecting these glycine residues are significantly enriched in individuals with disease (PMID: 9016532, 17078022) compared to the general population (ExAC). In summary, the currently available evidence indicates that the variant is pathogenic, but additional data are needed to prove that conclusively. Therefore, this variant has been classified as Likely Pathogenic.

Literature cited by the submitters: PubMed 7695699; PubMed 8218237; PubMed 19344236; PubMed 9016532; PubMed 17078022.

NM_001845.6(COL4A1):c.1685G>C (p.Gly562Ala)

Gene: COL4A1 (collagen type IV alpha 1 chain; minus strand). Cytogenetic location: 13q34.
Variant type: single nucleotide variant.
Coding change: c.1685G>C on transcript NM_001845.6 (MANE Select); coding-DNA position 1685, G replaced by C.
Protein change: p.Gly562Ala; replaces glycine 562 with alanine.
Molecular consequence: missense variant.
Genome position (GRCh38, 1-based): chr13:110,187,181, C>G on the plus strand (G>C on the coding strand, the complement: COL4A1 is on the minus strand). VCF-style: chr13-110187181-C-G. GRCh37 (hg19) VCF-style: chr13-110839528-C-G.
Other names: short protein forms G562A.
Identifiers: ClinVar variation 3665294 (VCV003665294.2).